The following is an entry in ClinVar:

ClinVar aggregate classification (germline): other (0 of 4 stars; one submission).

Conditions:
Familial colorectal cancer. Identifiers: MedGen CN280943, MONDO:0023113. Disease mechanism: loss of function.

Allele frequency attached by ClinVar (database versions not stated): TOPMed 0.00001; gnomAD exomes below 0.00001; gnomAD 0.00001.
gnomAD v4.1: 6 of 985,556 alleles (0.00061%); highest among the groups gnomAD compares: Non-Finnish European, 0.00048%; no homozygotes.

Submission:

Systems Biology Platform Zhejiang California International NanoSystems Institute
Classification: other for Familial colorectal cancer. Review status: no assertion criteria provided. Collection method: not provided. Allele origin: unknown.
ClinVar note: Converted during submission from cancer to other.

NM_000038.6(APC):c.-19+561T>G

Gene: APC (APC regulator of WNT signaling pathway; plus strand). Cytogenetic location: 5q22.2.
Variant type: single nucleotide variant.
Coding change: c.-19+561T>G on transcript NM_000038.6 (MANE Select); 561 bases into the intron after 19 bases upstream of the start codon, T replaced by G.
Molecular consequence: intron variant.
Genome position (GRCh38, 1-based): chr5:112,738,486, T>G. VCF-style: chr5-112738486-T-G. GRCh37 (hg19) VCF-style: chr5-112074183-T-G.
Other names: c.-18-16387T>G (NM_001354895.2); c.166-27840T>G (NM_001354897.2, NM_001354902.2, NM_001127511.3); c.-19+26T>G (NM_001127510.3); c.60+26T>G (NM_001354898.2, NM_001354904.2); c.-1054+561T>G (NM_001354906.2); c.-19+561T>G (NM_001354896.2, NM_001354903.2, NM_001354899.2); c.-43+561T>G (NM_001354900.2, NM_001354901.2, NM_001354905.2).
Identifiers: ClinVar variation 82330 (VCV000082330.2), dbSNP rs75110764, ClinGen allele CA006583.